The following is an entry in ClinVar:

NM_001101362.3(KBTBD13):c.34T>G (p.Trp12Gly)

Gene: KBTBD13 (kelch repeat and BTB domain containing 13; plus strand). Cytogenetic location: 15q22.31.
Variant type: single nucleotide variant.
Coding change: c.34T>G on transcript NM_001101362.3 (MANE Select); coding-DNA position 34, T replaced by G.
Protein change: p.Trp12Gly; replaces tryptophan 12 with glycine.
Molecular consequence: missense variant.
Genome position (GRCh38, 1-based): chr15:65,076,849, T>G. VCF-style: chr15-65076849-T-G. GRCh37 (hg19) VCF-style: chr15-65369187-T-G.
Other names: short protein forms W12G.
Identifiers: ClinVar variation 3003390 (VCV003003390.3), dbSNP rs983280700, ClinGen allele CA392855684.
Genomic context (GRCh38, chr15:65,076,849, plus strand): 5'-CGGCAGCCTCCGCCCGGCCAGCTCGCCATGGCACGGGGTCCACAGACCCTGGTGCAGGTG[T>G]GGGTGGGCGGCCAGCTCTTCCAAGCCGACCGCGCCCTGCTGGTGGAGCACTGTGGCTTCT-3'
Protein context (NP_001094832.1, residues 2-22): ARGPQTLVQV[Trp12Gly]VGGQLFQADR

ClinVar aggregate classification (germline): Uncertain significance (1 of 4 stars; one submission).

Conditions:
Nemaline myopathy 6 (NEM6). Also called: Nemaline myopathy 6, autosomal dominant. Identifiers: Orphanet 171439, MedGen C1836472, MONDO:0012237, OMIM 609273.

Submission:

Labcorp Genetics (formerly Invitae), Labcorp
Classification: Uncertain significance for Nemaline myopathy 6. Last evaluated: 2024-02-01. Review status: criteria provided, single submitter. Criteria: Invitae Variant Classification Sherloc (09022015). Collection method: clinical testing. Allele origin: germline.
Comment: This sequence change replaces tryptophan, which is neutral and slightly polar, with glycine, which is neutral and non-polar, at codon 12 of the KBTBD13 protein (p.Trp12Gly). This variant is not present in population databases (gnomAD no frequency). This variant has not been reported in the literature in individuals affected with KBTBD13-related conditions. Advanced modeling of protein sequence and biophysical properties (such as structural, functional, and spatial information, amino acid conservation, physicochemical variation, residue mobility, and thermodynamic stability) performed at Invitae indicates that this missense variant is not expected to disrupt KBTBD13 protein function with a negative predictive value of 80%. In summary, the available evidence is currently insufficient to determine the role of this variant in disease. Therefore, it has been classified as a Variant of Uncertain Significance.